The following is an entry in ClinVar:

ClinVar aggregate classification (germline): Uncertain significance. Review status: criteria provided, multiple submitters, no conflicts (2 of 4 stars). 2 submissions from 2 submitters: Uncertain significance (2). Last evaluated 2025-04-15.

Conditions:
Fanconi-Bickel syndrome (FBS). Also called: PSEUDO-PHLORIZIN DIABETES; FANCONI SYNDROME WITH INTESTINAL MALABSORPTION AND GALACTOSE INTOLERANCE; HEPATIC GLYCOGENOSIS WITH AMINO ACIDURIA AND GLUCOSURIA; HEPATIC GLYCOGENOSIS WITH FANCONI NEPHROPATHY; HEPATORENAL GLYCOGENOSIS WITH RENAL FANCONI SYNDROME; Glycogen storage disease due to GLUT2 deficiency. Identifiers: Orphanet 2088, MedGen C3495427, MONDO:0009216, OMIM 227810.
Type 2 diabetes mellitus. Also called: Type II diabetes mellitus. Identifiers: MedGen C0011860, MeSH D003924, MONDO:0005148, OMIM 125853, HP:0005978.

gnomAD v4.1: 2 of 1,612,420 alleles (0.00012%); highest among the groups gnomAD compares: Admixed American, 0.0033%; no homozygotes.

Submissions (2):

Dasa
Classification: Uncertain significance. Last evaluated: 2025-04-15. Review status: criteria provided, single submitter. Criteria: DASA Assertion Criteria. Collection method: clinical testing. Allele origin: germline.
Comment: NM_000340.2(SLC2A2):c.743T>A (p.Ile248Asn) is a missense variant that results in the substitution of isoleucine with asparagine. This variant is rare in population databases. The currently available literature and clinical evidence are not sufficient to establish a definitive association between this variant and the reported condition. Therefore, this variant is classified as a variant of uncertain significance.

Fulgent Genetics
Classification: Uncertain significance for Type 2 diabetes mellitus; Fanconi-Bickel syndrome. Last evaluated: 2024-04-18. Review status: criteria provided, single submitter. Criteria: ACMG Guidelines, 2015. Collection method: clinical testing. Allele origin: germline.

NM_000340.2(SLC2A2):c.743T>A (p.Ile248Asn)

Gene: SLC2A2 (solute carrier family 2 member 2; minus strand). Cytogenetic location: 3q26.2.
Variant type: single nucleotide variant.
Coding change: c.743T>A on transcript NM_000340.2 (MANE Select); coding-DNA position 743, T replaced by A.
Protein change: p.Ile248Asn; replaces isoleucine 248 with asparagine.
Molecular consequence: missense variant.
Genome position (GRCh38, 1-based): chr3:171,005,975, A>T on the plus strand (T>A on the coding strand, the complement: SLC2A2 is on the minus strand). VCF-style: chr3-171005975-A-T. GRCh37 (hg19) VCF-style: chr3-170723764-A-T.
Other names: c.386T>A, p.Ile129Asn (NM_001278658.2); c.224T>A, p.Ile75Asn (NM_001278659.2); short protein forms I129N, I248N, I75N.
Identifiers: ClinVar variation 3588929 (VCV003588929.3).